The following is an entry in ClinVar:

NM_001844.5(COL2A1):c.3898_3964delinsTAGT (p.Ile1300_Thr1322delinsTer)

Gene: COL2A1 (collagen type II alpha 1 chain; minus strand). Cytogenetic location: 12q13.11.
Variant type: Indel.
Coding change: c.3898_3964delinsTAGT on transcript NM_001844.5 (MANE Select); coding-DNA positions 3898 to 3964, the reference bases replaced by TAGT.
Protein change: p.Ile1300_Thr1322delinsTer.
Molecular consequence: nonsense.
Genome position (GRCh38, 1-based): chr12:47,974,785-47,974,851, 67 bases replaced. GRCh37 (hg19): chr12:48,368,568-48,368,634.
Other names: c.3691_3757delinsTAGT, p.Ile1231_Thr1253delinsTer (NM_033150.3).
Identifiers: ClinVar variation 2735205 (VCV002735205.3), dbSNP rs2540097518, ClinGen allele CA2697559173.

ClinVar aggregate classification (germline): Pathogenic (1 of 4 stars; one submission).

Submission:

Labcorp Genetics (formerly Invitae), Labcorp
Classification: Pathogenic. Last evaluated: 2023-07-03. Review status: criteria provided, single submitter. Criteria: Invitae Variant Classification Sherloc (09022015). Collection method: clinical testing. Allele origin: germline.
Comment: This sequence change creates a premature translational stop signal (p.Ile1300*) in the COL2A1 gene. It is expected to result in an absent or disrupted protein product. Loss-of-function variants in COL2A1 are known to be pathogenic (PMID: 20179744). This variant is not present in population databases (gnomAD no frequency). This variant has not been reported in the literature in individuals affected with COL2A1-related conditions. For these reasons, this variant has been classified as Pathogenic.

Literature cited by the submitters: PubMed 20179744.